The following is an entry in ClinVar:

NM_004287.5(GOSR2):c.94+16_94+17del

Genes: LRRC37A2 (leucine rich repeat containing 37 member A2), GOSR2 (golgi SNAP receptor complex member 2; plus strand). Cytogenetic location: 17q21.32.
Variant type: Microsatellite.
Coding change: c.94+16_94+17del on transcript NM_004287.5 (MANE Select); bases 16 to 17 of the intron after coding-DNA position 94, 2 bases deleted (TG; older notation c.94+16_94+17delTG).
Molecular consequence: intron variant.
Genome position (GRCh38, 1-based): chr17:46,929,600-46,929,601, TG deleted; deleting any 2 consecutive bases within chr17:46,929,598-46,929,601 gives the same sequence; the c. name uses the placement nearest the transcript's 3' end. VCF-style (leftmost placement, unchanged base first): chr17-46929597-CTG-C. GRCh37 (hg19) VCF-style: chr17-45006963-CTG-C.
Other names: c.94+16_94+17del (NM_001321133.2, NM_054022.4, NM_001330252.2 and 4 more transcripts); c.40+16_40+17del (NM_001363851.2, NM_001321134.2); c.94+16_94+17delTG (NM_004287.3).
Identifiers: ClinVar variation 419969 (VCV000419969.6), dbSNP rs780992578, ClinGen allele CA8621140.

ClinVar aggregate classification (germline): Likely benign. Review status: criteria provided, multiple submitters, no conflicts (2 of 4 stars). 2 submissions from 2 submitters: Likely benign (2). Last evaluated 2024-08-12.

Conditions:
Progressive myoclonic epilepsy. Also called: Myoclonic Epilepsies, Progressive; Familial progressive myoclonic epilepsy; Myoclonus epilepsy; Progressive myoclonus epilepsy. Identifiers: Orphanet 308, Orphanet 98261, MedGen C0751778, MONDO:0020074.

Submissions (2):

Labcorp Genetics (formerly Invitae), Labcorp
Classification: Likely benign for Progressive myoclonic epilepsy. Last evaluated: 2024-08-12. Review status: criteria provided, single submitter. Criteria: Invitae Variant Classification Sherloc (09022015). Collection method: clinical testing. Allele origin: germline.

GeneDx
Classification: Likely benign. Last evaluated: 2015-11-06. Review status: criteria provided, single submitter. Criteria: GeneDx Variant Classification (06012015). Collection method: clinical testing. Allele origin: germline. Affected: yes.
Comment: This variant is considered likely benign or benign based on one or more of the following criteria: it is a conservative change, it occurs at a poorly conserved position in the protein, it is predicted to be benign by multiple in silico algorithms, and/or has population frequency not consistent with disease.